The following is an entry in ClinVar:

NM_001711.6(BGN):c.35C>T (p.Ala12Val)

Gene: BGN (biglycan; plus strand). Cytogenetic location: Xq28.
Variant type: single nucleotide variant.
Coding change: c.35C>T on transcript NM_001711.6 (MANE Select); coding-DNA position 35, C replaced by T.
Protein change: p.Ala12Val; replaces alanine 12 with valine.
Molecular consequence: missense variant.
Genome position (GRCh38, 1-based): chrX:153,504,666, C>T. VCF-style: chrX-153504666-C-T. GRCh37 (hg19) VCF-style: chrX-152770124-C-T.
Other names: short protein forms A12V.
Identifiers: ClinVar variation 4698491 (VCV004698491.1).
Genomic context (GRCh38, chrX:153,504,666, plus strand): 5'-CGCCTCTTCCCCCAGGTCCATCCGCCATGTGGCCCCTGTGGCGCCTCGTGTCTCTGCTGG[C>T]CCTGAGCCAGGCCCTGCCCTTTGAGCAGAGAGGCTTCTGGGACTTCACCCTGGACGATGG-3'
Protein context (NP_001702.1, residues 2-22): WPLWRLVSLL[Ala12Val]LSQALPFEQR

ClinVar aggregate classification (germline): Uncertain significance (1 of 4 stars; one submission).

gnomAD v4.1: 2 of 1,210,859 alleles (0.00017%); highest among the groups gnomAD compares: Admixed American, 0.0022%; no homozygotes.

Submission:

Labcorp Genetics (formerly Invitae), Labcorp
Classification: Uncertain significance. Last evaluated: 2025-09-16. Review status: criteria provided, single submitter. Criteria: Invitae Variant Classification Sherloc (09022015). Collection method: clinical testing. Allele origin: germline.
Comment: This sequence change replaces alanine, which is neutral and non-polar, with valine, which is neutral and non-polar, at codon 12 of the BGN protein (p.Ala12Val). This variant is present in population databases (no rsID available, gnomAD 0.004%). This variant has not been reported in the literature in individuals affected with BGN-related conditions. An algorithm developed to predict the effect of missense changes on protein structure and function (PolyPhen-2) suggests that this variant is likely to be tolerated. In summary, the available evidence is currently insufficient to determine the role of this variant in disease. Therefore, it has been classified as a Variant of Uncertain Significance.